The following is an entry in ClinVar:

NM_006914.4(RORB):c.107G>A (p.Arg36Lys)

Gene: RORB (RAR related orphan receptor B; plus strand). Cytogenetic location: 9q21.13.
Variant type: single nucleotide variant.
Coding change: c.107G>A on transcript NM_006914.4 (MANE Select); coding-DNA position 107, G replaced by A.
Protein change: p.Arg36Lys; replaces arginine 36 with lysine.
Molecular consequence: missense variant.
Genome position (GRCh38, 1-based): chr9:74,634,644, G>A. VCF-style: chr9-74634644-G-A. GRCh37 (hg19) VCF-style: chr9-77249560-G-A.
Other names: c.140G>A, p.Arg47Lys (NM_001365023.1); short protein forms R36K, R47K.
Identifiers: ClinVar variation 2708358 (VCV002708358.3), dbSNP rs2489566711, ClinGen allele CA373772104.
Genomic context (GRCh38, chr9:74,634,644, plus strand): 5'-TCCCTTCTTATAAATCTGTTTCCCTCCCCTTCTCTTTTTCCCTCAAGGGATTCTTTAGGA[G>A]GAGCCAGCAGAACAATGCTTCTTATTCCTGCCCAAGGCAGAGAAACTGTTTAATTGACAG-3'
Protein context (NP_008845.2, residues 26-46): TCEGCKGFFR[Arg36Lys]SQQNNASYSC

ClinVar aggregate classification (germline): Likely pathogenic (1 of 4 stars; one submission).

Allele frequency attached by ClinVar (database versions not stated): gnomAD exomes below 0.00001.
gnomAD v4.1: 1 of 1,609,822 alleles (0.000062%); highest among the groups gnomAD compares: Non-Finnish European, 0.000085%; no homozygotes.

Submission:

Labcorp Genetics (formerly Invitae), Labcorp
Classification: Likely pathogenic. Last evaluated: 2024-03-04. Review status: criteria provided, single submitter. Criteria: Invitae Variant Classification Sherloc (09022015). Collection method: clinical testing. Allele origin: germline.
Comment: This sequence change replaces arginine, which is basic and polar, with lysine, which is basic and polar, at codon 36 of the RORB protein (p.Arg36Lys). This variant is not present in population databases (gnomAD no frequency). This missense change has been observed in individual(s) with clinical features of RORB-related conditions (Invitae). In at least one individual the variant was observed to be de novo. An algorithm developed to predict the effect of missense changes on protein structure and function (PolyPhen-2) suggests that this variant is likely to be disruptive. In summary, the currently available evidence indicates that the variant is pathogenic, but additional data are needed to prove that conclusively. Therefore, this variant has been classified as Likely Pathogenic.